The following is an entry in ClinVar:

ClinVar aggregate classification (germline): Benign/Likely benign. Review status: criteria provided, multiple submitters, no conflicts (2 of 4 stars). 4 submissions from 4 submitters: Benign (2); Likely benign (2). Last evaluated 2026-02-04.

Conditions:
Glycogen storage disease type III (GSD3). Also called: Cori disease; FORBES DISEASE. Identifiers: Orphanet 366, MedGen C0017922, MONDO:0009291, OMIM 232400.

Allele frequency attached by ClinVar (database versions not stated): 1000 Genomes Project 0.00020; 1000 Genomes Project 30x 0.00031; gnomAD 0.00113 and 0.00114; TOPMed 0.00121; ExAC 0.00139; ESP Exome Variant Server 0.00146; gnomAD exomes 0.00146 and 0.00169.

Submissions (4):

Labcorp Genetics (formerly Invitae), Labcorp
Classification: Benign for Glycogen storage disease type III. Last evaluated: 2026-02-04. Review status: criteria provided, single submitter. Criteria: Invitae Variant Classification Sherloc (09022015). Collection method: clinical testing. Allele origin: germline.

Blueprint Genetics
Classification: Likely benign. Last evaluated: 2024-11-26. Review status: criteria provided, single submitter. Criteria: ACMG Guidelines, 2015. Collection method: clinical testing. Allele origin: germline.

Genome-Nilou Lab
Classification: Benign for Glycogen storage disease type III. Last evaluated: 2023-04-11. Review status: criteria provided, single submitter. Criteria: ACMG Guidelines, 2015. Collection method: clinical testing. Allele origin: germline. Affected: no.

GeneDx
Classification: Likely benign. Last evaluated: 2017-12-18. Review status: criteria provided, single submitter. Criteria: GeneDx Variant Classification (06012015). Collection method: clinical testing. Allele origin: germline. Affected: yes.
Comment: This variant is considered likely benign or benign based on one or more of the following criteria: it is a conservative change, it occurs at a poorly conserved position in the protein, it is predicted to be benign by multiple in silico algorithms, and/or has population frequency not consistent with disease.

NM_000642.3(AGL):c.2949+20C>T

Gene: AGL (amylo-alpha-1,6-glucosidase and 4-alpha-glucanotransferase; plus strand). Cytogenetic location: 1p21.2.
Variant type: single nucleotide variant.
Coding change: c.2949+20C>T on transcript NM_000642.3 (MANE Select); 20 bases into the intron after coding-DNA position 2949, C replaced by T.
Molecular consequence: intron variant.
Genome position (GRCh38, 1-based): chr1:99,891,376, C>T. VCF-style: chr1-99891376-C-T. GRCh37 (hg19) VCF-style: chr1-100356932-C-T.
Other names: c.2949+20C>T (NM_000643.3, NM_000644.3, NM_001425325.1 and 1 more transcripts); c.2901+20C>T (NM_000646.3); c.2928+20C>T (NM_001425326.1); c.2748+20C>T (NM_001425327.1); c.2745+20C>T (NM_001425328.1); c.2610+20C>T (NM_001425329.1); c.2571+20C>T (NM_001425332.1).
Identifiers: ClinVar variation 386919 (VCV000386919.12), dbSNP rs201729914, ClinGen allele CA966938.